The following is an entry in ClinVar:

NC_000011.9:g.(?_108151710)_(108160538_?)del

Gene: ATM (ATM serine/threonine kinase; plus strand). Cytogenetic location: 11q22.3.
Variant type: Deletion.
Identifiers: ClinVar variation 1069668 (VCV001069668.6).

ClinVar aggregate classification (germline): Pathogenic (1 of 4 stars; one submission).

Conditions:
Ataxia-telangiectasia syndrome (AT). Also called: LOUIS-BAR SYNDROME; Ataxia-telangiectasia, complementation group D; AT, COMPLEMENTATION GROUP C; Cerebello-oculocutaneous telangiectasia; Immunodeficiency with ataxia telangiectasia; ATAXIA-TELANGIECTASIA, COMPLEMENTATION GROUP A. Identifiers: Orphanet 100, MedGen C0004135, MONDO:0008840, OMIM 208900.

Submission:

Labcorp Genetics (formerly Invitae), Labcorp
Classification: Pathogenic for Ataxia-telangiectasia syndrome. Last evaluated: 2023-11-08. Review status: criteria provided, single submitter. Criteria: Invitae Variant Classification Sherloc (09022015). Collection method: clinical testing. Allele origin: germline.
Comment: This variant is a gross deletion of the genomic region encompassing exon(s) 24-29 of the ATM gene. This deletion is out-of-frame, and is expected to create a premature termination codon and result in an absent or disrupted protein product. Loss-of-function variants in ATM are known to be pathogenic (PMID: 23807571, 25614872). This variant has not been reported in the literature in individuals affected with ATM-related conditions. For these reasons, this variant has been classified as Pathogenic.

Literature cited by the submitters: PubMed 23807571; PubMed 25614872.